The following is an entry in ClinVar:

NM_001079802.2(FKTN):c.116G>C (p.Gly39Ala)

Gene: FKTN (fukutin; plus strand). Cytogenetic location: 9q31.2.
Variant type: single nucleotide variant.
Coding change: c.116G>C on transcript NM_001079802.2 (MANE Select); coding-DNA position 116, G replaced by C.
Protein change: p.Gly39Ala; replaces glycine 39 with alanine.
Molecular consequence: missense variant. On other transcripts: 5 prime UTR variant (5), non-coding transcript variant (2).
Genome position (GRCh38, 1-based): chr9:105,596,608, G>C. VCF-style: chr9-105596608-G-C. GRCh37 (hg19) VCF-style: chr9-108358889-G-C.
Other names: c.116G>C, p.Gly39Ala (NM_001198963.2, NM_001351496.2, NM_001351498.2 and 1 more transcripts); c.-52G>C (NM_001351497.2); c.-399G>C (NM_001351499.2, NM_001351500.2, NM_001351501.2 and 1 more transcripts); short protein forms G39A.
Identifiers: ClinVar variation 2441460 (VCV002441460.4), dbSNP rs1051378547, ClinGen allele CA197430677.

ClinVar aggregate classification (germline): Uncertain significance. Review status: criteria provided, multiple submitters, no conflicts (2 of 4 stars). 2 submissions from 2 submitters: Uncertain significance (2). Last evaluated 2026-09-06.

Conditions:
Cardiovascular phenotype. Identifiers: MedGen CN230736.

Allele frequency attached by ClinVar (database versions not stated): gnomAD 0.00001; gnomAD exomes 0.00001; TOPMed 0.00001.
gnomAD v4.1: 11 of 1,612,406 alleles (0.00068%); highest among the groups gnomAD compares: African/African-American, 0.0013%; no homozygotes.

Submissions (2):

Ambry Genetics
Classification: Uncertain significance for Cardiovascular phenotype. Last evaluated: 2026-09-06. Review status: criteria provided, single submitter. Criteria: Ambry Variant Classification Scheme 2023. Collection method: clinical testing. Allele origin: germline.
Comment: The p.G39A variant (also known as c.116G>C), located in coding exon 2 of the FKTN gene, results from a G to C substitution at nucleotide position 116. The glycine at codon 39 is replaced by alanine, an amino acid with similar properties. This amino acid position is conserved. In addition, this alteration is predicted to be tolerated by in silico analysis. Based on the available evidence, the clinical significance of this variant remains unclear.

Revvity Omics, Revvity
Classification: Uncertain significance. Last evaluated: 2021-09-14. Review status: criteria provided, single submitter. Criteria: ACMG Guidelines, 2015. Collection method: clinical testing. Allele origin: germline.